The following is an entry in ClinVar:

ClinVar aggregate classification (germline): Uncertain significance. Review status: criteria provided, multiple submitters, no conflicts (2 of 4 stars). 2 submissions from 2 submitters: Uncertain significance (2). Last evaluated 2026-02-02.

Conditions:
Hereditary cancer-predisposing syndrome. Also called: Hereditary Cancer Syndrome; Hereditary neoplastic syndrome; Neoplastic Syndromes, Hereditary; Tumor predisposition. Identifiers: Orphanet 140162, MedGen C0027672, MeSH D009386, MONDO:0015356.

Submissions (2):

Labcorp Genetics (formerly Invitae), Labcorp
Classification: Uncertain significance. Last evaluated: 2026-02-02. Review status: criteria provided, single submitter. Criteria: Invitae Variant Classification Sherloc (09022015). Collection method: clinical testing. Allele origin: germline.
Comment: This sequence change replaces histidine, which is basic and polar, with tyrosine, which is neutral and polar, at codon 210 of the MSH3 protein (p.His210Tyr). This variant is not present in population databases (gnomAD no frequency). This variant has not been reported in the literature in individuals affected with MSH3-related conditions. ClinVar contains an entry for this variant (Variation ID: 1752647). An algorithm developed to predict the effect of missense changes on protein structure and function outputs the following: PolyPhen-2: "Benign". The tyrosine amino acid residue is found in multiple mammalian species, which suggests that this missense change does not adversely affect protein function. In summary, the available evidence is currently insufficient to determine the role of this variant in disease. Therefore, it has been classified as a Variant of Uncertain Significance.

Ambry Genetics
Classification: Uncertain significance for Hereditary cancer-predisposing syndrome. Last evaluated: 2021-12-27. Review status: criteria provided, single submitter. Criteria: Ambry Variant Classification Scheme 2023. Collection method: clinical testing. Allele origin: germline.
Comment: The p.H210Y variant (also known as c.628C>T), located in coding exon 4 of the MSH3 gene, results from a C to T substitution at nucleotide position 628. The histidine at codon 210 is replaced by tyrosine, an amino acid with similar properties. This amino acid position is conserved. In addition, this alteration is predicted to be tolerated by in silico analysis. Since supporting evidence is limited at this time, the clinical significance of this alteration remains unclear.

NM_002439.5(MSH3):c.628C>T (p.His210Tyr)

Gene: MSH3 (mutS homolog 3; plus strand). Cytogenetic location: 5q14.1.
Variant type: single nucleotide variant.
Coding change: c.628C>T on transcript NM_002439.5 (MANE Select); coding-DNA position 628, C replaced by T.
Protein change: p.His210Tyr; replaces histidine 210 with tyrosine.
Molecular consequence: missense variant.
Genome position (GRCh38, 1-based): chr5:80,670,145, C>T. VCF-style: chr5-80670145-C-T. GRCh37 (hg19) VCF-style: chr5-79965964-C-T.
Other names: short protein forms H210Y.
Identifiers: ClinVar variation 1752647 (VCV001752647.7), dbSNP rs2546721071, ClinGen allele CA360266461.